The following is an entry in ClinVar:

ClinVar aggregate classification (germline): Uncertain significance (1 of 4 stars; one submission).

Conditions:
Dilated cardiomyopathy 1W (CMD1W). Identifiers: Orphanet 154, MedGen C1969639, MONDO:0012667, OMIM 611407.

Submission:

Labcorp Genetics (formerly Invitae), Labcorp
Classification: Uncertain significance for Dilated cardiomyopathy 1W. Last evaluated: 2022-08-09. Review status: criteria provided, single submitter. Criteria: Invitae Variant Classification Sherloc (09022015). Collection method: clinical testing. Allele origin: germline.
Comment: In summary, the available evidence is currently insufficient to determine the role of this variant in disease. Therefore, it has been classified as a Variant of Uncertain Significance. Algorithms developed to predict the effect of sequence changes on RNA splicing suggest that this variant may disrupt the consensus splice site. ClinVar contains an entry for this variant (Variation ID: 1362985). This variant has not been reported in the literature in individuals affected with VCL-related conditions. This variant is not present in population databases (gnomAD no frequency). This sequence change creates a premature translational stop signal (p.Glu976*) in the VCL gene. It is expected to result in an absent or disrupted protein product. However, the current clinical and genetic evidence is not sufficient to establish whether loss-of-function variants in VCL cause disease.

NM_014000.3(VCL):c.2926G>T (p.Glu976Ter)

Gene: VCL (vinculin; plus strand). Cytogenetic location: 10q22.2.
Variant type: single nucleotide variant.
Coding change: c.2926G>T on transcript NM_014000.3 (MANE Select); coding-DNA position 2926, G replaced by T.
Protein change: p.Glu976Ter; replaces glutamic acid 976 with a stop codon.
Molecular consequence: nonsense. On other transcripts: intron variant (1).
Genome position (GRCh38, 1-based): chr10:74,112,089, G>T. VCF-style: chr10-74112089-G-T. GRCh37 (hg19) VCF-style: chr10-75871847-G-T.
Other names: c.2746-2095G>T (NM_003373.4); short protein forms E976*.
Identifiers: ClinVar variation 1362985 (VCV001362985.6), dbSNP rs2131937409, ClinGen allele CA377264882.
Genomic context (GRCh38, chr10:74,112,089, plus strand): 5'-ATGCCATCCAATCAGCCGGTCAACCAGCCCATTCTGGCCGCGGCTCAGTCCTTGCATCGG[G>T]AAGCTACCAAGTGGTCTAGTAAGGTACTGATAAGCACCCCCAGTTGGGGGCTGCTCCATA-3'